The following is an entry in ClinVar:

NM_001013615.3(LURAP1):c.87C>T (p.Arg29=)

Genes: LURAP1 (leucine rich adaptor protein 1; plus strand), POMGNT1 (protein O-linked mannose N-acetylglucosaminyltransferase 1 (beta 1,2-); minus strand). Cytogenetic location: 1p34.1.
Variant type: single nucleotide variant.
Coding change: c.87C>T on transcript NM_001013615.3 (MANE Select); coding-DNA position 87, C replaced by T.
Protein change: p.Arg29=; no amino-acid change (arginine 29 retained).
Molecular consequence: synonymous variant. On other transcripts: intron variant (1).
Genome position (GRCh38, 1-based): chr1:46,203,513, C>T. VCF-style: chr1-46203513-C-T. GRCh37 (hg19) VCF-style: chr1-46669185-C-T.
Other names: c.-50-5642G>A (NM_001243766.2).
Identifiers: ClinVar variation 4873219 (VCV004873219.2).

ClinVar aggregate classification (germline): Likely benign (1 of 4 stars; one submission).

gnomAD v4.1: 19 of 1,559,432 alleles (0.0012%); highest among the groups gnomAD compares: Admixed American, 0.019%; no homozygotes.

Submission:

CeGaT Center for Human Genetics Tuebingen
Classification: Likely benign. Last evaluated: 2026-06-01. Review status: criteria provided, single submitter. Criteria: CeGaT Center For Human Genetics Tuebingen Variant Classification Criteria Version 2. Collection method: clinical testing. Allele origin: germline. Affected: yes. Observed: 1 variant allele.
Comment: LURAP1: BP4, BP7